The following is an entry in ClinVar:

NM_021999.5(ITM2B):c.256G>A (p.Val86Met)

Gene: ITM2B (integral membrane protein 2B; plus strand). Cytogenetic location: 13q14.2.
Variant type: single nucleotide variant.
Coding change: c.256G>A on transcript NM_021999.5 (MANE Select); coding-DNA position 256, G replaced by A.
Protein change: p.Val86Met; replaces valine 86 with methionine.
Molecular consequence: missense variant.
Genome position (GRCh38, 1-based): chr13:48,256,186, G>A. VCF-style: chr13-48256186-G-A. GRCh37 (hg19) VCF-style: chr13-48830322-G-A.
Other names: short protein forms V86M.
Identifiers: ClinVar variation 3716165 (VCV003716165.2).

ClinVar aggregate classification (germline): Uncertain significance (1 of 4 stars; one submission).

gnomAD v4.1: 34 of 1,609,436 alleles (0.0021%); highest among the groups gnomAD compares: Middle Eastern, 0.28%; 1 homozygote.

Submission:

Labcorp Genetics (formerly Invitae), Labcorp
Classification: Uncertain significance. Last evaluated: 2024-03-01. Review status: criteria provided, single submitter. Criteria: Invitae Variant Classification Sherloc (09022015). Collection method: clinical testing. Allele origin: germline.
Comment: This sequence change replaces valine, which is neutral and non-polar, with methionine, which is neutral and non-polar, at codon 86 of the ITM2B protein (p.Val86Met). This variant is present in population databases (rs749707917, gnomAD 0.002%). This variant has not been reported in the literature in individuals affected with ITM2B-related conditions. Advanced modeling of protein sequence and biophysical properties (such as structural, functional, and spatial information, amino acid conservation, physicochemical variation, residue mobility, and thermodynamic stability) performed at Invitae indicates that this missense variant is not expected to disrupt ITM2B protein function with a negative predictive value of 80%. In summary, the available evidence is currently insufficient to determine the role of this variant in disease. Therefore, it has been classified as a Variant of Uncertain Significance.